The following is an entry in ClinVar:

ClinVar aggregate classification (germline): Benign. Review status: criteria provided, multiple submitters, no conflicts (2 of 4 stars). 3 submissions from 3 submitters: Benign (2). 1 of the submissions does not count toward it. Last evaluated 2018-03-05.

Conditions:
DNAH7-related disorder. Also called: DNAH7-related condition.

Allele frequency attached by ClinVar (database versions not stated): gnomAD 0.00025 and 0.00034; TOPMed 0.00049; gnomAD exomes 0.00109; ExAC 0.00113; 1000 Genomes Project 30x 0.00141; 1000 Genomes Project 0.00180.
gnomAD v4.1: 690 of 1,612,624 alleles (0.043%); highest among the groups gnomAD compares: East Asian, 1.4%; 8 homozygotes.

Submissions (3):

Labcorp Genetics (formerly Invitae), Labcorp
Classification: Benign. Last evaluated: 2018-03-05. Review status: criteria provided, single submitter. Criteria: Invitae Variant Classification Sherloc (09022015). Collection method: clinical testing. Allele origin: germline.

Breakthrough Genomics
Classification: Benign. Review status: criteria provided, single submitter. Criteria: ACMG Guidelines, 2015. Collection method: not provided. Allele origin: germline. Inheritance: Unknown mechanism. Affected: yes.

PreventionGenetics, part of Exact Sciences
Classification: Benign for DNAH7-related condition. Last evaluated: 2019-10-28. Review status: no assertion criteria provided. Collection method: clinical testing. Allele origin: germline. Not counted in ClinVar's aggregate classification.
Comment: This variant is classified as benign based on ACMG/AMP sequence variant interpretation guidelines (Richards et al. 2015 PMID: 25741868, with internal and published modifications).

NM_018897.3(DNAH7):c.5532G>A (p.Leu1844=)

Gene: DNAH7 (dynein axonemal heavy chain 7; minus strand). Cytogenetic location: 2q32.3.
Variant type: single nucleotide variant.
Coding change: c.5532G>A on transcript NM_018897.3 (MANE Select); coding-DNA position 5532, G replaced by A.
Protein change: p.Leu1844=; no amino-acid change (leucine 1844 retained).
Molecular consequence: synonymous variant.
Genome position (GRCh38, 1-based): chr2:195,886,147, C>T on the plus strand (G>A on the coding strand, the complement: DNAH7 is on the minus strand). VCF-style: chr2-195886147-C-T. GRCh37 (hg19) VCF-style: chr2-196750871-C-T.
Identifiers: ClinVar variation 725185 (VCV000725185.6), dbSNP rs141259837, ClinGen allele CA2035382.